The following is an entry in ClinVar:

ClinVar aggregate classification (germline): Uncertain significance (1 of 4 stars; one submission).

Conditions:
Alstrom syndrome (ALMS). Identifiers: Orphanet 64, MedGen C0268425, MONDO:0008763, OMIM 203800.

Submission:

Labcorp Genetics (formerly Invitae), Labcorp
Classification: Uncertain significance for Alstrom syndrome. Last evaluated: 2022-11-01. Review status: criteria provided, single submitter. Criteria: Invitae Variant Classification Sherloc (09022015). Collection method: clinical testing. Allele origin: germline.
Comment: In summary, the available evidence is currently insufficient to determine the role of this variant in disease. Therefore, it has been classified as a Variant of Uncertain Significance. Experimental studies and prediction algorithms are not available or were not evaluated, and the functional significance of this variant is currently unknown. This variant has not been reported in the literature in individuals affected with ALMS1-related conditions. This variant is not present in population databases (gnomAD no frequency). This sequence change replaces glutamic acid, which is acidic and polar, with glutamine, which is neutral and polar, at codon 2499 of the ALMS1 protein (p.Glu2499Gln).

NM_001378454.1(ALMS1):c.7492G>C (p.Glu2498Gln)

Gene: ALMS1 (ALMS1 centrosome and basal body associated protein; plus strand). Cytogenetic location: 2p13.1.
Variant type: single nucleotide variant.
Coding change: c.7492G>C on transcript NM_001378454.1 (MANE Select); coding-DNA position 7492, G replaced by C.
Protein change: p.Glu2498Gln; replaces glutamic acid 2498 with glutamine.
Molecular consequence: missense variant.
Genome position (GRCh38, 1-based): chr2:73,454,019, G>C. VCF-style: chr2-73454019-G-C. GRCh37 (hg19) VCF-style: chr2-73681146-G-C.
Other names: c.7495G>C, p.Glu2499Gln (NM_015120.4); short protein forms E2499Q, E2498Q.
Identifiers: ClinVar variation 2053681 (VCV002053681.4), dbSNP rs1057524023, ClinGen allele CA347292586.